The following is an entry in ClinVar:

NM_000055.4(BCHE):c.970_975del (p.Gly324_Asp325del)

Gene: BCHE (butyrylcholinesterase; minus strand). Cytogenetic location: 3q26.1.
Variant type: Deletion.
Coding change: c.970_975del on transcript NM_000055.4 (MANE Select); coding-DNA positions 970 to 975, 6 bases deleted (GGTGAT; older notation c.970_975delGGTGAT).
Protein change: p.Gly324_Asp325del.
Molecular consequence: inframe deletion. On other transcripts: non-coding transcript variant (1).
Genome position (GRCh38, 1-based): chr3:165,830,059-165,830,064, ATCACC deleted on the plus strand (GGTGAT on the coding strand, the reverse complement: BCHE is on the minus strand); deleting any 6 consecutive bases within chr3:165,830,059-165,830,067 gives the same sequence; the c. name uses the placement nearest the transcript's 3' end. VCF-style (leftmost placement, unchanged base first): chr3-165830058-AATCACC-A. GRCh37 (hg19) VCF-style: chr3-165547846-AATCACC-A.
Identifiers: ClinVar variation 5004578 (VCV005004578.1).

ClinVar aggregate classification (germline): Uncertain significance (1 of 4 stars; one submission).

Conditions:
Deficiency of butyrylcholinesterase (BCHED). Also called: Butyrylcholinesterase deficiency; Acholinesterasemia; Deficiency of butyrylcholine esterase; BCHE, silent 1. Identifiers: Orphanet 132, MedGen C1283400, MONDO:0015270, OMIM 617936.

Submission:

Myriad Genetics, Inc.
Classification: Uncertain significance for Deficiency of butyrylcholinesterase. Last evaluated: 2026-04-02. Review status: criteria provided, single submitter. Criteria: Myriad Autosomal Dominant, Autosomal Recessive and X-Linked Classification Criteria (2023). Collection method: clinical testing. Allele origin: unknown.
Comment: NM_000055.2(BCHE):c.970_975del6(G324_D325del) is an in-frame deletion classified as a variant of uncertain significance in the context of pseudocholinesterase deficiency. G324_D325del has not been observed in cases with relevant disease. Relevant functional assessments of this variant are not available in the literature. G324_D325del has not been observed in referenced population frequency databases. In summary, there is insufficient evidence to classify NM_000055.2(BCHE):c.970_975del6(G324_D325del) as pathogenic or benign. Please note: this variant was assessed in the context of healthy population screening.